The following is an entry in ClinVar:

ClinVar aggregate classification (germline): Likely benign. Review status: criteria provided, multiple submitters, no conflicts (2 of 4 stars). 3 submissions from 3 submitters: Likely benign (3). Last evaluated 2026-02-03.

Conditions:
Familial thoracic aortic aneurysm and aortic dissection (TAAD). Also called: Thoracic aortic aneurysms and dissections. Identifiers: Orphanet 91387, MedGen C4707243, MONDO:0019625.
Congenital contractural arachnodactyly (CCA). Also called: BEALS SYNDROME; Beals-Hecht syndrome; Arthrogryposis, distal, type 9. Identifiers: Orphanet 115, MedGen C0220668, MONDO:0007363, OMIM 121050.

Allele frequency attached by ClinVar (database versions not stated): ESP Exome Variant Server 0.00008.
gnomAD v4.1: 4 of 1,614,100 alleles (0.00025%); highest among the groups gnomAD compares: Non-Finnish European, 0.00034%; no homozygotes.

Submissions (3):

Labcorp Genetics (formerly Invitae), Labcorp
Classification: Likely benign for Congenital contractural arachnodactyly. Last evaluated: 2026-02-03. Review status: criteria provided, single submitter. Criteria: Invitae Variant Classification Sherloc (09022015). Collection method: clinical testing. Allele origin: germline.

Ambry Genetics
Classification: Likely benign for Familial thoracic aortic aneurysm and aortic dissection. Last evaluated: 2024-12-20. Review status: criteria provided, single submitter. Criteria: Ambry Variant Classification Scheme 2023. Collection method: clinical testing. Allele origin: germline.

CeGaT Center for Human Genetics Tuebingen
Classification: Likely benign. Last evaluated: 2022-07-01. Review status: criteria provided, single submitter. Criteria: CeGaT Center For Human Genetics Tuebingen Variant Classification Criteria Version 2. Collection method: clinical testing. Allele origin: germline. Affected: yes. Observed: 2 variant alleles.
Comment: FBN2: PM2:Supporting, BP4, BP7

NM_001999.4(FBN2):c.2457G>A (p.Leu819=)

Gene: FBN2 (fibrillin 2; minus strand). Cytogenetic location: 5q23.3.
Variant type: single nucleotide variant.
Coding change: c.2457G>A on transcript NM_001999.4 (MANE Select); coding-DNA position 2457, G replaced by A.
Protein change: p.Leu819=; no amino-acid change (leucine 819 retained).
Molecular consequence: synonymous variant.
Genome position (GRCh38, 1-based): chr5:128,361,820, C>T on the plus strand (G>A on the coding strand, the complement: FBN2 is on the minus strand). VCF-style: chr5-128361820-C-T. GRCh37 (hg19) VCF-style: chr5-127697513-C-T.
Other names: c.2457G>A (NM_001999.3).
Identifiers: ClinVar variation 1013266 (VCV001013266.46), dbSNP rs370465689, ClinGen allele CA127030015.